The following is an entry in ClinVar:

NM_004863.4(SPTLC2):c.*2186A>G

Gene: SPTLC2 (serine palmitoyltransferase long chain base subunit 2; minus strand). Cytogenetic location: 14q24.3.
Variant type: single nucleotide variant.
Coding change: c.*2186A>G on transcript NM_004863.4 (MANE Select); 2186 bases downstream of the stop codon, A replaced by G.
Molecular consequence: 3 prime UTR variant.
Genome position (GRCh38, 1-based): chr14:77,510,098, T>C on the plus strand (A>G on the coding strand, the complement: SPTLC2 is on the minus strand). VCF-style: chr14-77510098-T-C. GRCh37 (hg19) VCF-style: chr14-77976441-T-C.
Identifiers: ClinVar variation 314630 (VCV000314630.5), dbSNP rs377018367, ClinGen allele CA10641158.

ClinVar aggregate classification (germline): Benign (1 of 4 stars; one submission).

Conditions:
Neuropathy, hereditary sensory and autonomic, type 1C. Also called: HSAN IC; HSN IC. Identifiers: Orphanet 36386, MedGen C3150896, MONDO:0013337, OMIM 613640.

Allele frequency attached by ClinVar (database versions not stated): gnomAD exomes below 0.00001; TOPMed 0.00008; gnomAD 0.00010 and 0.00011; 1000 Genomes Project 30x 0.00047; 1000 Genomes Project 0.00060.
gnomAD v4.1: 25 of 396,374 alleles (0.0063%); highest among the groups gnomAD compares: South Asian, 0.028%; no homozygotes.

Submission:

Illumina Laboratory Services, Illumina
Classification: Benign for Neuropathy, hereditary sensory and autonomic, type 1C. Last evaluated: 2018-01-13. Review status: criteria provided, single submitter. Criteria: ICSL Variant Classification Criteria 13 December 2019. Collection method: clinical testing. Allele origin: germline.
Comment: This variant was observed in the ICSL laboratory as part of a predisposition screen in an ostensibly healthy population. It had not been previously curated by ICSL or reported in the Human Gene Mutation Database (HGMD: prior to June 1st, 2018), and was therefore a candidate for classification through an automated scoring system. Utilizing variant allele frequency, disease prevalence and penetrance estimates, and inheritance mode, an automated score was calculated to assess if this variant is too frequent to cause the disease. Based on the score and internal cut-off values, a variant classified as benign is not then subjected to further curation. The score for this variant resulted in a classification of benign for this disease.